The following is an entry in ClinVar:

ClinVar aggregate classification (germline): Uncertain significance. Review status: criteria provided, multiple submitters, no conflicts (2 of 4 stars). 4 submissions from 4 submitters: Uncertain significance (4). Last evaluated 2021-03-22.

Conditions:
Inborn genetic diseases. Identifiers: MedGen C0950123, MeSH D030342.
Developmental and epileptic encephalopathy, 12 (DEE12). Identifiers: MedGen C3150988, MONDO:0013389, OMIM 613722.

Submissions (4):

Labcorp Genetics (formerly Invitae), Labcorp
Classification: Uncertain significance for Developmental and epileptic encephalopathy, 12. Last evaluated: 2021-03-22. Review status: criteria provided, single submitter. Criteria: Invitae Variant Classification Sherloc (09022015). Collection method: clinical testing. Allele origin: germline.
Comment: This variant has not been reported in the literature in individuals with PNKP-related conditions. ClinVar contains an entry for this variant (Variation ID: 206389). This sequence change replaces isoleucine with methionine at codon 222 of the PNKP protein (p.Ile222Met). The isoleucine residue is highly conserved and there is a small physicochemical difference between isoleucine and methionine. This variant is present in population databases (rs587784369, ExAC 0.002%). Algorithms developed to predict the effect of missense changes on protein structure and function are either unavailable or do not agree on the potential impact of this missense change (SIFT: "Deleterious"; PolyPhen-2: "Probably Damaging"; Align-GVGD: "Class C0"). In summary, the available evidence is currently insufficient to determine the role of this variant in disease. Therefore, it has been classified as a Variant of Uncertain Significance.

Ambry Genetics
Classification: Uncertain significance for Inborn genetic diseases. Last evaluated: 2017-09-21. Review status: criteria provided, single submitter. Criteria: Ambry Variant Classification Scheme 2023. Collection method: clinical testing. Allele origin: germline.
Comment: The p.I222M variant (also known as c.666C>G), located in coding exon 6 of the PNKP gene, results from a C to G substitution at nucleotide position 666. The isoleucine at codon 222 is replaced by methionine, an amino acid with highly similar properties. This amino acid position is highly conserved in available vertebrate species. In addition, the in silico prediction for this alteration is inconclusive. Since supporting evidence is limited at this time, the clinical significance of this alteration remains unclear.

Eurofins Ntd Llc (ga)
Classification: Uncertain significance. Last evaluated: 2015-09-01. Review status: criteria provided, single submitter. Criteria: EGL Classification Definitions 2015. Collection method: clinical testing. Allele origin: germline. Observed: 1 variant allele, 1 heterozygote.

GeneDx
Classification: Uncertain significance. Last evaluated: 2014-05-30. Review status: criteria provided, single submitter. Criteria: GeneDx Variant Classification (06012015). Collection method: clinical testing. Allele origin: germline. Affected: yes.
Comment: p.Ile222Met (ATC>ATG): c.666 C>G in exon 7 of the PNKP gene (NM_007254.2) A variant of unknown significance has been identified in the PNKP gene. The I222M variant has not been published as a mutation, nor has it been reported as a benign polymorphism to our knowledge. It was not observed in approximately 6,500 individuals of European and African American ancestry in the NHLBI Exome Sequencing Project, indicating it is not a common benign variant in these populations. This substitution occurs at a position that is highly conserved across species and in silico analysis predicts this variant is probably damaging to the protein structure/function. However, the I222M variant is a conservative amino acid substitution, which is not likely to impact secondary protein structure as these residues share similar properties. Therefore, based on the currently available information, it is unclear whether this variant is a pathogenic mutation or a rare benign variant. The variant is found in EPILEPSY panel(s).

NM_007254.4(PNKP):c.666C>G (p.Ile222Met)

Gene: PNKP (polynucleotide kinase 3'-phosphatase; minus strand). Cytogenetic location: 19q13.33.
Variant type: single nucleotide variant.
Coding change: c.666C>G on transcript NM_007254.4 (MANE Select); coding-DNA position 666, C replaced by G.
Protein change: p.Ile222Met; replaces isoleucine 222 with methionine.
Molecular consequence: missense variant.
Genome position (GRCh38, 1-based): chr19:49,864,042, G>C on the plus strand (C>G on the coding strand, the complement: PNKP is on the minus strand). VCF-style: chr19-49864042-G-C. GRCh37 (hg19) VCF-style: chr19-50367299-G-C.
Other names: p.I222M:ATC>ATG; short protein forms I222M.
Identifiers: ClinVar variation 206389 (VCV000206389.15), dbSNP rs587784369, ClinGen allele CA316458.